The following is an entry in ClinVar:

ClinVar aggregate classification (germline): Uncertain significance (1 of 4 stars; one submission).

Conditions:
Ellis-van Creveld syndrome (EVC). Also called: EVC-Related Ellis-van Creveld Syndrome; EVC2-Related Ellis-van Creveld Syndrome; Chondroectodermal dysplasia; MESOECTODERMAL DYSPLASIA. Identifiers: Orphanet 289, MedGen C0013903, MONDO:0009162, OMIM 225500.
Curry-Hall syndrome (WAD). Also called: WEYERS ACRODENTAL DYSOSTOSIS. Identifiers: Orphanet 952, MedGen C0457013, MONDO:0008673, OMIM 193530.

Allele frequency attached by ClinVar (database versions not stated): gnomAD 0.00001; gnomAD exomes 0.00001.
gnomAD v4.1: 56 of 1,614,054 alleles (0.0035%); highest among the groups gnomAD compares: Non-Finnish European, 0.0047%; no homozygotes.

Submission:

Labcorp Genetics (formerly Invitae), Labcorp
Classification: Uncertain significance for Curry-Hall syndrome; Ellis-van Creveld syndrome. Last evaluated: 2024-08-08. Review status: criteria provided, single submitter. Criteria: Invitae Variant Classification Sherloc (09022015). Collection method: clinical testing. Allele origin: germline.
Comment: This sequence change replaces glutamine, which is neutral and polar, with leucine, which is neutral and non-polar, at codon 959 of the EVC2 protein (p.Gln959Leu). This variant is present in population databases (no rsID available, gnomAD 0.002%). This variant has not been reported in the literature in individuals affected with EVC2-related conditions. ClinVar contains an entry for this variant (Variation ID: 1401471). An algorithm developed to predict the effect of missense changes on protein structure and function (PolyPhen-2) suggests that this variant is likely to be tolerated. In summary, the available evidence is currently insufficient to determine the role of this variant in disease. Therefore, it has been classified as a Variant of Uncertain Significance.

NM_147127.5(EVC2):c.2876A>T (p.Gln959Leu)

Gene: EVC2 (EvC ciliary complex subunit 2; minus strand). Cytogenetic location: 4p16.2.
Variant type: single nucleotide variant.
Coding change: c.2876A>T on transcript NM_147127.5 (MANE Select); coding-DNA position 2876, A replaced by T.
Protein change: p.Gln959Leu; replaces glutamine 959 with leucine.
Molecular consequence: missense variant.
Genome position (GRCh38, 1-based): chr4:5,584,804, T>A on the plus strand (A>T on the coding strand, the complement: EVC2 is on the minus strand). VCF-style: chr4-5584804-T-A. GRCh37 (hg19) VCF-style: chr4-5586531-T-A.
Other names: c.2636A>T, p.Gln879Leu (NM_001166136.2); short protein forms Q879L, Q959L.
Identifiers: ClinVar variation 1401471 (VCV001401471.8), dbSNP rs1228531350, ClinGen allele CA356154961.
Genomic context (GRCh38, chr4:5,584,804, plus strand): 5'-GTCACCCGGGACGCCTTCTGGAACTGCAGAGCAACAAGCGACTGTGCAAAGCCTCCCTCC[T>A]GTGCCTCCATCCGCTGCACTCTCTCCCGCAGCAATTCACCTCGAACCTGGGAGGGGACAG-3'
Protein context (NP_667338.3, residues 949-969): LRERVQRMEA[Gln959Leu]EGGFAQSLVA